The following is an entry in ClinVar:

NM_014271.4(IL1RAPL1):c.1846C>A (p.His616Asn)

Gene: IL1RAPL1 (interleukin 1 receptor accessory protein like 1; plus strand). Cytogenetic location: Xp21.2.
Variant type: single nucleotide variant.
Coding change: c.1846C>A on transcript NM_014271.4 (MANE Select); coding-DNA position 1846, C replaced by A.
Protein change: p.His616Asn; replaces histidine 616 with asparagine.
Molecular consequence: missense variant.
Genome position (GRCh38, 1-based): chrX:29,955,575, C>A. VCF-style: chrX-29955575-C-A. GRCh37 (hg19) VCF-style: chrX-29973692-C-A.
Other names: short protein forms H616N.
Identifiers: ClinVar variation 3679216 (VCV003679216.2).
Genomic context (GRCh38, chrX:29,955,575, plus strand): 5'-ACCTCCACAGCTCTAGCCACTGCCCATCCAGATCTCCGTTCTACCTTTCACAACACGTAC[C>A]ATTCACAAATGCGTCAGAAACACTACTACCGAAGCTATGAGTACGACGTACCTCCTACCG-3'
Protein context (NP_055086.1, residues 606-626): DLRSTFHNTY[His616Asn]SQMRQKHYYR

ClinVar aggregate classification (germline): Uncertain significance (1 of 4 stars; one submission).

Submission:

Labcorp Genetics (formerly Invitae), Labcorp
Classification: Uncertain significance. Last evaluated: 2026-01-12. Review status: criteria provided, single submitter. Criteria: Invitae Variant Classification Sherloc (09022015). Collection method: clinical testing. Allele origin: germline.
Comment: This sequence change replaces histidine, which is basic and polar, with asparagine, which is neutral and polar, at codon 616 of the IL1RAPL1 protein (p.His616Asn). This variant is not present in population databases (gnomAD no frequency). This variant has not been reported in the literature in individuals affected with IL1RAPL1-related conditions. ClinVar contains an entry for this variant (Variation ID: 3679216). An algorithm developed to predict the effect of missense changes on protein structure and function (PolyPhen-2) suggests that this variant is likely to be tolerated. In summary, the available evidence is currently insufficient to determine the role of this variant in disease. Therefore, it has been classified as a Variant of Uncertain Significance.